The following is an entry in ClinVar:

ClinVar aggregate classification (germline): Uncertain significance. Review status: criteria provided, multiple submitters, no conflicts (2 of 4 stars). 2 submissions from 2 submitters: Uncertain significance (2). Last evaluated 2025-12-20.

Conditions:
Dilated cardiomyopathy 2B. Identifiers: Orphanet 154, MedGen C3553409, MONDO:0013848, OMIM 614672.
Cardiovascular phenotype. Identifiers: MedGen CN230736.

Allele frequency attached by ClinVar (database versions not stated): ExAC 0.00003; TOPMed 0.00003; gnomAD exomes 0.00004; gnomAD 0.00005.

Submissions (2):

Labcorp Genetics (formerly Invitae), Labcorp
Classification: Uncertain significance for Dilated cardiomyopathy 2B. Last evaluated: 2025-12-20. Review status: criteria provided, single submitter. Criteria: Invitae Variant Classification Sherloc (09022015). Collection method: clinical testing. Allele origin: germline.
Comment: This sequence change replaces proline, which is neutral and non-polar, with serine, which is neutral and polar, at codon 241 of the GATAD1 protein (p.Pro241Ser). This variant is present in population databases (rs779832718, gnomAD 0.006%). This variant has not been reported in the literature in individuals affected with GATAD1-related conditions. ClinVar contains an entry for this variant (Variation ID: 1502106). Invitae Evidence Modeling of protein sequence and biophysical properties (such as structural, functional, and spatial information, amino acid conservation, physicochemical variation, residue mobility, and thermodynamic stability) indicates that this missense variant is not expected to disrupt GATAD1 protein function with a negative predictive value of 80%. In summary, the available evidence is currently insufficient to determine the role of this variant in disease. Therefore, it has been classified as a Variant of Uncertain Significance.

Ambry Genetics
Classification: Uncertain significance for Cardiovascular phenotype. Last evaluated: 2025-11-11. Review status: criteria provided, single submitter. Criteria: Ambry Variant Classification Scheme 2023. Collection method: clinical testing. Allele origin: germline.

NM_021167.5(GATAD1):c.721C>T (p.Pro241Ser)

Gene: GATAD1 (GATA zinc finger domain containing 1; plus strand). Cytogenetic location: 7q21.2.
Variant type: single nucleotide variant.
Coding change: c.721C>T on transcript NM_021167.5 (MANE Select); coding-DNA position 721, C replaced by T.
Protein change: p.Pro241Ser; replaces proline 241 with serine.
Molecular consequence: missense variant. On other transcripts: non-coding transcript variant (1).
Genome position (GRCh38, 1-based): chr7:92,456,473, C>T. VCF-style: chr7-92456473-C-T. GRCh37 (hg19) VCF-style: chr7-92085787-C-T.
Other names: short protein forms P241S.
Identifiers: ClinVar variation 1502106 (VCV001502106.10), dbSNP rs779832718, ClinGen allele CA4340361.